The following is an entry in ClinVar:

ClinVar aggregate classification (germline): Pathogenic. Review status: criteria provided, multiple submitters, no conflicts (2 of 4 stars). 2 submissions from 2 submitters: Pathogenic (2). Last evaluated 2023-10-05.

Conditions:
Xeroderma pigmentosum group A (XPA). Also called: Xeroderma pigmentosum, complementation group A; XP, group A; XPA-Related Xeroderma Pigmentosum. Identifiers: Orphanet 910, MedGen C0268135, MONDO:0010210, OMIM 278700.

gnomAD v4.1: 1 of 1,612,512 alleles (0.000062%); highest among the groups gnomAD compares: Non-Finnish European, 0.000085%; no homozygotes.

Submissions (2):

Labcorp Genetics (formerly Invitae), Labcorp
Classification: Pathogenic. Last evaluated: 2023-10-05. Review status: criteria provided, single submitter. Criteria: Invitae Variant Classification Sherloc (09022015). Collection method: clinical testing. Allele origin: germline.
Comment: This sequence change creates a premature translational stop signal (p.Gln174*) in the XPA gene. It is expected to result in an absent or disrupted protein product. Loss-of-function variants in XPA are known to be pathogenic (PMID: 27607234). This variant is not present in population databases (gnomAD no frequency). This variant has not been reported in the literature in individuals affected with XPA-related conditions. ClinVar contains an entry for this variant (Variation ID: 1709507). For these reasons, this variant has been classified as Pathogenic.

MGZ Medical Genetics Center
Classification: Pathogenic for Xeroderma pigmentosum group A. Last evaluated: 2021-09-16. Review status: criteria provided, single submitter. Criteria: ACMG Guidelines, 2015. Collection method: clinical testing. Allele origin: germline. Affected: yes. Observed: 1 variant allele.
Comment: ACMG criteria applied: PVS1, PM2_SUP, PM3_SUP

Literature cited by the submitters: PubMed 27607234 (cited by Labcorp Genetics (formerly Invitae), Labcorp).

NM_000380.4(XPA):c.520C>T (p.Gln174Ter)

Gene: XPA (XPA, DNA damage recognition and repair factor; minus strand). Cytogenetic location: 9q22.33.
Variant type: single nucleotide variant.
Coding change: c.520C>T on transcript NM_000380.4 (MANE Select); coding-DNA position 520, C replaced by T.
Protein change: p.Gln174Ter; replaces glutamine 174 with a stop codon.
Molecular consequence: nonsense. On other transcripts: non-coding transcript variant (4).
Genome position (GRCh38, 1-based): chr9:97,687,131, G>A on the plus strand (C>T on the coding strand, the complement: XPA is on the minus strand). VCF-style: chr9-97687131-G-A. GRCh37 (hg19) VCF-style: chr9-100449413-G-A.
Other names: c.394C>T, p.Gln132Ter (NM_001354975.2); short protein forms Q132*, Q174*.
Identifiers: ClinVar variation 1709507 (VCV001709507.7), dbSNP rs2490221098, ClinGen allele CA374187351.